The following is an entry in ClinVar:

ClinVar aggregate classification (germline): Conflicting classifications of pathogenicity. Review status: criteria provided, conflicting classifications (1 of 4 stars). 2 submissions from 2 submitters: Likely pathogenic (1); Uncertain significance (1). Last evaluated 2024-08-07.

Conditions:
Dilated cardiomyopathy 1G (CMD1G). Identifiers: Orphanet 154, MedGen C1858763, MONDO:0011400, OMIM 604145.

gnomAD v4.1: 1 of 1,613,578 alleles (0.000062%); highest among the groups gnomAD compares: South Asian, 0.0011%; no homozygotes.

Submissions (2):

GeneDx
Classification: Uncertain significance. Last evaluated: 2024-08-07. Review status: criteria provided, single submitter. Criteria: GeneDx Variant Classification Process June 2021. Collection method: clinical testing. Allele origin: germline. Affected: yes.
Comment: Not observed at significant frequency in large population cohorts (gnomAD); Nonsense variant predicted to result in protein truncation or nonsense mediated decay in a gene or region of a gene for which loss of function is not a well-established mechanism of disease; Has not been previously published as pathogenic or benign to our knowledge

Institute of Human Genetics, Heidelberg University
Classification: Likely pathogenic for Dilated cardiomyopathy 1G. Last evaluated: 2023-11-10. Review status: criteria provided, single submitter. Criteria: ACMG Guidelines, 2015. Collection method: clinical testing. Allele origin: germline.

NM_001267550.2(TTN):c.15085C>T (p.Arg5029Ter)

Gene: TTN (titin; minus strand). Cytogenetic location: 2q31.2.
Variant type: single nucleotide variant.
Coding change: c.15085C>T on transcript NM_001267550.2 (MANE Select); coding-DNA position 15085, C replaced by T.
Protein change: p.Arg5029Ter; replaces arginine 5029 with a stop codon.
Molecular consequence: nonsense. On other transcripts: intron variant (3).
Genome position (GRCh38, 1-based): chr2:178,734,839, G>A on the plus strand (C>T on the coding strand, the complement: TTN is on the minus strand). VCF-style: chr2-178734839-G-A. GRCh37 (hg19) VCF-style: chr2-179599566-G-A.
Other names: c.14134C>T, p.Arg4712Ter (NM_001256850.1); c.11353C>T, p.Arg3785Ter (NM_133378.4); c.13282+3243C>T (NM_003319.4); c.13858+3243C>T (NM_133437.4); c.13657+3243C>T (NM_133432.3); short protein forms R3785*, R4712*, R5029*.
Identifiers: ClinVar variation 3069194 (VCV003069194.3), dbSNP rs2530298654, ClinGen allele CA349595396.